The following is an entry in ClinVar:

ClinVar aggregate classification (germline): Conflicting classifications of pathogenicity. Review status: criteria provided, conflicting classifications (1 of 4 stars). 2 submissions from 2 submitters: Uncertain significance (1); Likely benign (1). Last evaluated 2024-10-24.

Conditions:
Inborn genetic diseases. Identifiers: MedGen C0950123, MeSH D030342.
Kleefstra syndrome 1 (KLEFS1). Identifiers: Orphanet 261494, MedGen C0795833, MONDO:0027407, OMIM 610253.

gnomAD v4.1: 4 of 1,614,050 alleles (0.00025%); highest among the groups gnomAD compares: South Asian, 0.0033%; no homozygotes.

Submissions (2):

Labcorp Genetics (formerly Invitae), Labcorp
Classification: Likely benign for Kleefstra syndrome 1. Last evaluated: 2024-10-24. Review status: criteria provided, single submitter. Criteria: Invitae Variant Classification Sherloc (09022015). Collection method: clinical testing. Allele origin: germline.

Ambry Genetics
Classification: Uncertain significance for Inborn genetic diseases. Last evaluated: 2022-06-10. Review status: criteria provided, single submitter. Criteria: Ambry Variant Classification Scheme 2023. Collection method: clinical testing. Allele origin: germline.
Comment: The c.1502-5G>T intronic alteration consists of a G to T substitution 5 nucleotides before coding exon 10 in the EHMT1 gene. Based on insufficient or conflicting evidence, the clinical significance of this alteration remains unclear.

NM_024757.5(EHMT1):c.1502-5G>T

Gene: EHMT1 (euchromatic histone lysine methyltransferase 1; plus strand). Cytogenetic location: 9q34.3.
Variant type: single nucleotide variant.
Coding change: c.1502-5G>T on transcript NM_024757.5 (MANE Select); 5 bases into the intron before coding-DNA position 1502, G replaced by T.
Molecular consequence: intron variant.
Genome position (GRCh38, 1-based): chr9:137,762,670, G>T. VCF-style: chr9-137762670-G-T. GRCh37 (hg19) VCF-style: chr9-140657122-G-T.
Other names: c.1481-5G>T (NM_001354263.2); c.1409-5G>T (NM_001354259.2, NM_001354612.2); c.1502-5G>T (NM_001145527.2, NM_001354611.2).
Identifiers: ClinVar variation 2294348 (VCV002294348.5), dbSNP rs1279037975, ClinGen allele CA591241128.